The following is an entry in ClinVar:

NM_170784.3(MKKS):c.1454C>T (p.Pro485Leu)

Gene: MKKS (MKKS centrosomal shuttling protein; minus strand). Cytogenetic location: 20p12.2.
Variant type: single nucleotide variant.
Coding change: c.1454C>T on transcript NM_170784.3 (MANE Select); coding-DNA position 1454, C replaced by T.
Protein change: p.Pro485Leu; replaces proline 485 with leucine.
Molecular consequence: missense variant. On other transcripts: non-coding transcript variant (1).
Genome position (GRCh38, 1-based): chr20:10,405,506, G>A on the plus strand (C>T on the coding strand, the complement: MKKS is on the minus strand). VCF-style: chr20-10405506-G-A. GRCh37 (hg19) VCF-style: chr20-10386154-G-A.
Other names: c.1454C>T, p.Pro485Leu (NM_018848.3); c.1454C>T (NM_018848.2); short protein forms P485L.
Identifiers: ClinVar variation 1366303 (VCV001366303.9), dbSNP rs139509933, ClinGen allele CA9763472.

ClinVar aggregate classification (germline): Uncertain significance. Review status: criteria provided, multiple submitters, no conflicts (2 of 4 stars). 4 submissions from 4 submitters: Uncertain significance (3). 1 of the submissions does not count toward it. Last evaluated 2024-04-20.

Conditions:
MKKS-related disorder. Also called: MKKS-related disorders; MKKS-related condition.
Inborn genetic diseases. Identifiers: MedGen C0950123, MeSH D030342.
Bardet-Biedl syndrome (BBS). Identifiers: Orphanet 110, MedGen C0752166, MONDO:0015229.
McKusick-Kaufman syndrome (MKKS). Also called: HYDROMETROCOLPOS SYNDROME; HYDROMETROCOLPOS, POSTAXIAL POLYDACTYLY, AND CONGENITAL HEART MALFORMATION. Identifiers: Orphanet 2473, MedGen C0948368, MONDO:0009367, OMIM 236700.

Allele frequency attached by ClinVar (database versions not stated): gnomAD exomes below 0.00001 and 0.00003; ExAC 0.00002; TOPMed 0.00004; gnomAD 0.00005; ESP Exome Variant Server 0.00008.
gnomAD v4.1: 17 of 1,614,060 alleles (0.0011%); highest among the groups gnomAD compares: African/African-American, 0.017%; no homozygotes.

Submissions (4):

Ambry Genetics
Classification: Uncertain significance for Inborn genetic diseases. Last evaluated: 2024-04-20. Review status: criteria provided, single submitter. Criteria: Ambry Variant Classification Scheme 2023. Collection method: clinical testing. Allele origin: germline.

Labcorp Genetics (formerly Invitae), Labcorp
Classification: Uncertain significance for McKusick-Kaufman syndrome; Bardet-Biedl syndrome. Last evaluated: 2024-01-19. Review status: criteria provided, single submitter. Criteria: Invitae Variant Classification Sherloc (09022015). Collection method: clinical testing. Allele origin: germline.
Comment: This sequence change replaces proline, which is neutral and non-polar, with leucine, which is neutral and non-polar, at codon 485 of the MKKS protein (p.Pro485Leu). This variant is present in population databases (rs139509933, gnomAD 0.03%). This variant has not been reported in the literature in individuals affected with MKKS-related conditions. ClinVar contains an entry for this variant (Variation ID: 1366303). Advanced modeling of protein sequence and biophysical properties (such as structural, functional, and spatial information, amino acid conservation, physicochemical variation, residue mobility, and thermodynamic stability) performed at Invitae indicates that this missense variant is not expected to disrupt MKKS protein function with a negative predictive value of 80%. In summary, the available evidence is currently insufficient to determine the role of this variant in disease. Therefore, it has been classified as a Variant of Uncertain Significance.

Blueprint Genetics
Classification: Uncertain significance. Last evaluated: 2019-09-26. Review status: criteria provided, single submitter. Criteria: ACMG Guidelines, 2015. Collection method: clinical testing. Allele origin: germline.

PreventionGenetics, part of Exact Sciences
Classification: Uncertain significance for MKKS-related condition. Last evaluated: 2024-05-14. Review status: no assertion criteria provided. Collection method: clinical testing. Allele origin: germline. Not counted in ClinVar's aggregate classification.
Comment: The MKKS c.1454C>T variant is predicted to result in the amino acid substitution p.Pro485Leu. To our knowledge, this variant has not been reported in the literature. This variant is reported in 0.028% of alleles in individuals of African descent in gnomAD. At this time, the clinical significance of this variant is uncertain due to the absence of conclusive functional and genetic evidence.